The following is an entry in ClinVar:

NM_002299.4(LCT):c.5128G>A (p.Ala1710Thr)

Gene: LCT (lactase; minus strand). Cytogenetic location: 2q21.3.
Variant type: single nucleotide variant.
Coding change: c.5128G>A on transcript NM_002299.4 (MANE Select); coding-DNA position 5128, G replaced by A.
Protein change: p.Ala1710Thr; replaces alanine 1710 with threonine.
Molecular consequence: missense variant.
Genome position (GRCh38, 1-based): chr2:135,790,865, C>T on the plus strand (G>A on the coding strand, the complement: LCT is on the minus strand). VCF-style: chr2-135790865-C-T. GRCh37 (hg19) VCF-style: chr2-136548435-C-T.
Other names: short protein forms A1710T.
Identifiers: ClinVar variation 1358107 (VCV001358107.5), dbSNP rs1042032103, ClinGen allele CA56596156.
Genomic context (GRCh38, chr2:135,790,865, plus strand): 5'-TGAAGCCAAAAGGCGTCATCTTCAGCCAGAAGGAGCCAGAGTCTGGCCACGAGCGATCTG[C>T]GATGGAAGCAACTCCTCTACAAGTTCAAAAACTAAAGATGAGGTCTTGTTTTGTAAATCT-3'
Protein context (NP_002290.2, residues 1700-1720): FDADRGVASI[Ala1710Thr]DRSWPDSGSF

ClinVar aggregate classification (germline): Uncertain significance (1 of 4 stars; one submission).

Allele frequency attached by ClinVar (database versions not stated): gnomAD exomes below 0.00001 and 0.00001; TOPMed below 0.00001; gnomAD 0.00001.

Submission:

Labcorp Genetics (formerly Invitae), Labcorp
Classification: Uncertain significance. Last evaluated: 2022-06-27. Review status: criteria provided, single submitter. Criteria: Invitae Variant Classification Sherloc (09022015). Collection method: clinical testing. Allele origin: germline.
Comment: This sequence change replaces alanine, which is neutral and non-polar, with threonine, which is neutral and polar, at codon 1710 of the LCT protein (p.Ala1710Thr). This variant is present in population databases (no rsID available, gnomAD 0.003%). This variant has not been reported in the literature in individuals affected with LCT-related conditions. Algorithms developed to predict the effect of missense changes on protein structure and function output the following: SIFT: "Not Available"; PolyPhen-2: "Benign"; Align-GVGD: "Not Available". The threonine amino acid residue is found in multiple mammalian species, which suggests that this missense change does not adversely affect protein function. In summary, the available evidence is currently insufficient to determine the role of this variant in disease. Therefore, it has been classified as a Variant of Uncertain Significance.